The following is an entry in ClinVar:

NM_015338.6(ASXL1):c.703C>T (p.Arg235Trp)

Gene: ASXL1 (ASXL transcriptional regulator 1; plus strand). Cytogenetic location: 20q11.21.
Variant type: single nucleotide variant.
Coding change: c.703C>T on transcript NM_015338.6 (MANE Select); coding-DNA position 703, C replaced by T.
Protein change: p.Arg235Trp; replaces arginine 235 with tryptophan.
Molecular consequence: missense variant. On other transcripts: intron variant (1).
Genome position (GRCh38, 1-based): chr20:32,430,038, C>T. VCF-style: chr20-32430038-C-T. GRCh37 (hg19) VCF-style: chr20-31017841-C-T.
Other names: c.535+607C>T (NM_001363734.1); short protein forms R235W.
Identifiers: ClinVar variation 3794105 (VCV003794105.1).
Genomic context (GRCh38, chr20:32,430,038, plus strand): 5'-GCTGCTATTCGTGGCCAGGCCGAGGTCACCCAGGACCCTGCCCCGCTCCTGAGAGGCTTC[C>T]GGAAGCCAGCCACAGGTGAGTGGCGTGGCACTTATTTCTCTGCCTGTAAAGGGGGCCCCT-3'
Protein context (NP_056153.2, residues 225-245): QDPAPLLRGF[Arg235Trp]KPATGQMKRN

ClinVar aggregate classification (germline): Uncertain significance (1 of 4 stars; one submission).

Conditions:
Inborn genetic diseases. Identifiers: MedGen C0950123, MeSH D030342.

gnomAD v4.1: 10 of 1,604,424 alleles (0.00062%); highest among the groups gnomAD compares: Middle Eastern, 0.016%; no homozygotes.

Submission:

Ambry Genetics
Classification: Uncertain significance for Inborn genetic diseases. Last evaluated: 2025-03-06. Review status: criteria provided, single submitter. Criteria: Ambry Variant Classification Scheme 2023. Collection method: clinical testing. Allele origin: germline.
Comment: The p.R235W variant (also known as c.703C>T), located in coding exon 8 of the ASXL1 gene, results from a C to T substitution at nucleotide position 703. The arginine at codon 235 is replaced by tryptophan, an amino acid with dissimilar properties. This amino acid position is conserved. In addition, this alteration is predicted to be tolerated by in silico analysis. Based on the available evidence, the clinical significance of this variant remains unclear.